The following is an entry in ClinVar:

NM_005334.3(HCFC1):c.320G>A (p.Ser107Asn)

Gene: HCFC1 (host cell factor C1; minus strand). Cytogenetic location: Xq28.
Variant type: single nucleotide variant.
Coding change: c.320G>A on transcript NM_005334.3 (MANE Select); coding-DNA position 320, G replaced by A.
Protein change: p.Ser107Asn; replaces serine 107 with asparagine.
Molecular consequence: missense variant.
Genome position (GRCh38, 1-based): chrX:153,964,600, C>T on the plus strand (G>A on the coding strand, the complement: HCFC1 is on the minus strand). VCF-style: chrX-153964600-C-T. GRCh37 (hg19) VCF-style: chrX-153230051-C-T.
Other names: c.320G>A, p.Ser107Asn (NM_001440843.1, NM_001440844.1, NM_001440845.1 and 7 more transcripts); short protein forms S107N.
Identifiers: ClinVar variation 4888064 (VCV004888064.1).
Genomic context (GRCh38, chrX:153,964,600, plus strand): 5'-GGCCAAGGAGGCAGAGTGAGAACCTGGGGCTGCTTTACCTGGAGTTCGTAGAGGTCATTG[C>T]TGTATTTCCCATACTCCACCATCCCACCAAACACCAGGAGGCGAGTCCCGTCACACACGA-3'
Protein context (NP_005325.2, residues 97-117): FGGMVEYGKY[Ser107Asn]NDLYELQASR

ClinVar aggregate classification (germline): Uncertain significance (1 of 4 stars; one submission).

Submission:

GeneDx
Classification: Uncertain significance. Last evaluated: 2026-02-13. Review status: criteria provided, single submitter. Criteria: GeneDx Variant Classification Process June 2021. Collection method: clinical testing. Allele origin: germline.
Comment: Not observed at significant frequency in large population cohorts (gnomAD); In silico analysis supports that this missense variant has a deleterious effect on protein structure/function; Has not been previously published as pathogenic or benign to our knowledge